The following is an entry in ClinVar:

ClinVar aggregate classification (germline): Pathogenic. Review status: criteria provided, multiple submitters, no conflicts (2 of 4 stars). 2 submissions from 2 submitters: Pathogenic (2). Last evaluated 2025-07-22.

Conditions:
Hypertrophic cardiomyopathy. Also called: HYPERTROPHIC MYOCARDIOPATHY. Identifiers: Orphanet 217569, MedGen C0007194, MeSH D002312, MONDO:0005045, HP:0001639.

Submissions (2):

Labcorp Genetics (formerly Invitae), Labcorp
Classification: Pathogenic for Hypertrophic cardiomyopathy. Last evaluated: 2025-07-22. Review status: criteria provided, single submitter. Criteria: Invitae Variant Classification Sherloc (09022015). Collection method: clinical testing. Allele origin: germline.
Comment: This sequence change creates a premature translational stop signal (p.Arg309Thrfs*25) in the MYBPC3 gene. It is expected to result in an absent or disrupted protein product. Loss-of-function variants in MYBPC3 are known to be pathogenic (PMID: 19574547). This variant is not present in population databases (gnomAD no frequency). This variant has not been reported in the literature in individuals affected with MYBPC3-related conditions. ClinVar contains an entry for this variant (Variation ID: 181106). For these reasons, this variant has been classified as Pathogenic.

GeneDx
Classification: Pathogenic. Last evaluated: 2025-02-25. Review status: criteria provided, single submitter. Criteria: GeneDx Variant Classification Process June 2021. Collection method: clinical testing. Allele origin: germline. Affected: yes.
Comment: Frameshift variant predicted to result in protein truncation or nonsense mediated decay in a gene for which loss-of-function is a known mechanism of disease; Reported in ClinVar as a pathogenic variant (ClinVar Variant ID# 181106; ClinVar); Not observed at significant frequency in large population cohorts (gnomAD); Has not been previously published as pathogenic or benign to our knowledge; This variant is associated with the following publications: (PMID: 27535533, 26582918)

Literature cited by the submitters: PubMed 19574547 (cited by Labcorp Genetics (formerly Invitae), Labcorp).

NM_000256.3(MYBPC3):c.923_924insAACT (p.Arg309fs)

Gene: MYBPC3 (myosin binding protein C3; minus strand). Cytogenetic location: 11p11.2.
Variant type: Insertion.
Coding change: c.923_924insAACT on transcript NM_000256.3 (MANE Select); coding-DNA positions 923 to 924, AACT inserted.
Protein change: p.Arg309fs; shifts the reading frame from arginine 309.
Molecular consequence: frameshift variant.
Genome position: GRCh38 VCF-style: chr11-47346629-C-CAGTT. GRCh37 (hg19) VCF-style: chr11-47368180-C-CAGTT.
Other names: R309TfsX25; c.923_924insAACT, p.Arg309fs (LRG_386t1); short protein forms R309fs.
Identifiers: ClinVar variation 181106 (VCV000181106.12), dbSNP rs730880678, ClinGen allele CA016089.
Genomic context (GRCh38, chr11:47,346,629, plus strand): 5'-GAGGGGCTCCTGGCAGAATTAGGGGTGATGAGGGTGCTGTGCTATGTTGGGCACTCACCT[C>CAGTT]GGGGTCCGGAAACTGCTGCTCCAGGGGTGGGGGTGGGAGAAAGGGTAGGTGGCACATGAG-3'